The following is an entry in ClinVar:

ClinVar aggregate classification (germline): Uncertain significance (1 of 4 stars; one submission).

Conditions:
RYR1-related disorder. Also called: RYR1-related condition; RYR1-related disorders. Identifiers: MedGen CN239331.

Submission:

Labcorp Genetics (formerly Invitae), Labcorp
Classification: Uncertain significance for RYR1-related disorder. Last evaluated: 2024-04-11. Review status: criteria provided, single submitter. Criteria: Invitae Variant Classification Sherloc (09022015). Collection method: clinical testing. Allele origin: germline.
Comment: This sequence change replaces alanine, which is neutral and non-polar, with valine, which is neutral and non-polar, at codon 537 of the RYR1 protein (p.Ala537Val). This variant is not present in population databases (gnomAD no frequency). This variant has not been reported in the literature in individuals affected with RYR1-related conditions. Advanced modeling of protein sequence and biophysical properties (such as structural, functional, and spatial information, amino acid conservation, physicochemical variation, residue mobility, and thermodynamic stability) performed at Invitae indicates that this missense variant is expected to disrupt RYR1 protein function with a positive predictive value of 95%. In summary, the available evidence is currently insufficient to determine the role of this variant in disease. Therefore, it has been classified as a Variant of Uncertain Significance.

NM_000540.3(RYR1):c.1610C>T (p.Ala537Val)

Gene: RYR1 (ryanodine receptor 1; plus strand). Cytogenetic location: 19q13.2.
Variant type: single nucleotide variant.
Coding change: c.1610C>T on transcript NM_000540.3 (MANE Select); coding-DNA position 1610, C replaced by T.
Protein change: p.Ala537Val; replaces alanine 537 with valine.
Molecular consequence: missense variant.
Genome position (GRCh38, 1-based): chr19:38,455,484, C>T. VCF-style: chr19-38455484-C-T. GRCh37 (hg19) VCF-style: chr19-38946124-C-T.
Other names: c.1610C>T, p.Ala537Val (NM_001042723.2); short protein forms A537V.
Identifiers: ClinVar variation 3615472 (VCV003615472.2).